The following is an entry in ClinVar:

NM_002880.4(RAF1):c.646C>T (p.Arg216Cys)

Gene: RAF1 (Raf-1 proto-oncogene, serine/threonine kinase; minus strand). Cytogenetic location: 3p25.2.
Variant type: single nucleotide variant.
Coding change: c.646C>T on transcript NM_002880.4 (MANE Select); coding-DNA position 646, C replaced by T.
Protein change: p.Arg216Cys; replaces arginine 216 with cysteine.
Molecular consequence: missense variant. On other transcripts: non-coding transcript variant (3), intron variant (2).
Genome position (GRCh38, 1-based): chr3:12,606,235, G>A on the plus strand (C>T on the coding strand, the complement: RAF1 is on the minus strand). VCF-style: chr3-12606235-G-A. GRCh37 (hg19) VCF-style: chr3-12647734-G-A.
Other names: c.646C>T, p.Arg216Cys (NM_001354689.3, NM_001354690.3); c.403C>T, p.Arg135Cys (NM_001354691.3, NM_001354692.3, NM_001354694.3); c.339-1946C>T (NM_001354695.3); c.582-1946C>T (NM_001354693.3); short protein forms R135C, R216C.
Identifiers: ClinVar variation 1378773 (VCV001378773.8), dbSNP rs2125406604, ClinGen allele CA351514488.

ClinVar aggregate classification (germline): Uncertain significance (1 of 4 stars; one submission).

Conditions:
RASopathy. Also called: rasopathies; Noonan spectrum disorder. Identifiers: Orphanet 536391, MedGen C5555857, MONDO:0021060.

Submission:

Labcorp Genetics (formerly Invitae), Labcorp
Classification: Uncertain significance for RASopathy. Last evaluated: 2021-03-01. Review status: criteria provided, single submitter. Criteria: Invitae Variant Classification Sherloc (09022015). Collection method: clinical testing. Allele origin: germline.
Comment: This sequence change replaces arginine with cysteine at codon 216 of the RAF1 protein (p.Arg216Cys). The arginine residue is highly conserved and there is a large physicochemical difference between arginine and cysteine. This variant is not present in population databases (ExAC no frequency). This variant has not been reported in the literature in individuals with RAF1-related conditions. Algorithms developed to predict the effect of missense changes on protein structure and function are either unavailable or do not agree on the potential impact of this missense change (SIFT: "Deleterious"; PolyPhen-2: "Possibly Damaging"; Align-GVGD: "Class C15"). In summary, the available evidence is currently insufficient to determine the role of this variant in disease. Therefore, it has been classified as a Variant of Uncertain Significance.